The following is an entry in ClinVar:

NM_000494.4(COL17A1):c.415+1G>A

Gene: COL17A1 (collagen type XVII alpha 1 chain; minus strand). Cytogenetic location: 10q25.1.
Variant type: single nucleotide variant.
Coding change: c.415+1G>A on transcript NM_000494.4 (MANE Select); the canonical splice donor site of the intron after coding-DNA position 415, G replaced by A.
Molecular consequence: splice donor variant.
Genome position (GRCh38, 1-based): chr10:104,073,209, C>T on the plus strand (G>A on the coding strand, the complement: COL17A1 is on the minus strand). VCF-style: chr10-104073209-C-T. GRCh37 (hg19) VCF-style: chr10-105832967-C-T.
Identifiers: ClinVar variation 3670557 (VCV003670557.2).

ClinVar aggregate classification (germline): Likely pathogenic (1 of 4 stars; one submission).

gnomAD v4.1: 1 of 1,613,858 alleles (0.000062%); highest among the groups gnomAD compares: Non-Finnish European, 0.000085%; no homozygotes.

Submission:

Labcorp Genetics (formerly Invitae), Labcorp
Classification: Likely pathogenic. Last evaluated: 2024-02-01. Review status: criteria provided, single submitter. Criteria: Invitae Variant Classification Sherloc (09022015). Collection method: clinical testing. Allele origin: germline.
Comment: This sequence change affects a donor splice site in intron 7 of the COL17A1 gene. It is expected to disrupt RNA splicing. Variants that disrupt the donor or acceptor splice site typically lead to a loss of protein function (PMID: 16199547), and loss-of-function variants in COL17A1 are known to be pathogenic (PMID: 16473856, 17344927, 20301304, 21357940, 24319098). This variant is not present in population databases (gnomAD no frequency). This variant has not been reported in the literature in individuals affected with COL17A1-related conditions. Algorithms developed to predict the effect of sequence changes on RNA splicing suggest that this variant may disrupt the consensus splice site. In summary, the currently available evidence indicates that the variant is pathogenic, but additional data are needed to prove that conclusively. Therefore, this variant has been classified as Likely Pathogenic.

Literature cited by the submitters: PubMed 16199547; PubMed 16473856; PubMed 17344927; PubMed 20301304; PubMed 21357940; PubMed 24319098.